The following is an entry in ClinVar:

ClinVar aggregate classification (germline): Pathogenic (1 of 4 stars; one submission).

Conditions:
Aniridia 1 (AN1). Identifiers: Orphanet 250923, MedGen C0344542, MONDO:0024507, OMIM 106210.
Irido-corneo-trabecular dysgenesis (ASGD5). Also called: ANTERIOR SEGMENT DYSGENESIS 5. Identifiers: Orphanet 708, MedGen C0344559, MONDO:0011414, OMIM 604229, HP:0000659.

Submission:

Labcorp Genetics (formerly Invitae), Labcorp
Classification: Pathogenic for Aniridia 1; Irido-corneo-trabecular dysgenesis. Last evaluated: 2024-11-21. Review status: criteria provided, single submitter. Criteria: Invitae Variant Classification Sherloc (09022015). Collection method: clinical testing. Allele origin: germline.
Comment: This sequence change replaces serine, which is neutral and polar, with leucine, which is neutral and non-polar, at codon 121 of the PAX6 protein (p.Ser121Leu). This variant is not present in population databases (gnomAD no frequency). This missense change has been observed in individual(s) with aniridia (PMID: 23734086, 34942114, 35052368; internal data). Invitae Evidence Modeling of protein sequence and biophysical properties (such as structural, functional, and spatial information, amino acid conservation, physicochemical variation, residue mobility, and thermodynamic stability) indicates that this missense variant is expected to disrupt PAX6 protein function with a positive predictive value of 80%. For these reasons, this variant has been classified as Pathogenic.

Literature cited by the submitters: PubMed 23734086; PubMed 34942114; PubMed 35052368.

NM_001368894.2(PAX6):c.404C>T (p.Ser135Leu)

Gene: PAX6 (paired box 6; minus strand). Cytogenetic location: 11p13.
Variant type: single nucleotide variant.
Coding change: c.404C>T on transcript NM_001368894.2 (MANE Select); coding-DNA position 404, C replaced by T.
Protein change: p.Ser135Leu; replaces serine 135 with leucine.
Molecular consequence: missense variant. On other transcripts: 5 prime UTR variant (14), non-coding transcript variant (2).
Genome position (GRCh38, 1-based): chr11:31,800,852, G>A on the plus strand (C>T on the coding strand, the complement: PAX6 is on the minus strand). VCF-style: chr11-31800852-G-A. GRCh37 (hg19) VCF-style: chr11-31822400-G-A.
Other names: c.362C>T, p.Ser121Leu (NM_000280.6, NM_001127612.3, NM_001258464.2 and 10 more transcripts); c.404C>T, p.Ser135Leu (NM_001258462.3, NM_001258463.2, NM_001310158.2 and 6 more transcripts); c.-47C>T (NM_001310160.2, NM_001310161.3, NM_001368899.2 and 11 more transcripts); c.605C>T, p.Ser202Leu (NM_001368910.2); c.407C>T, p.Ser136Leu (NM_001368911.2); c.479C>T, p.Ser160Leu (NM_001368918.2, NM_001368919.2); c.437C>T, p.Ser146Leu (NM_001368920.2); c.203C>T, p.Ser68Leu (NM_001368921.2, NM_001368922.2, NM_001368923.2 and 4 more transcripts); and 1 more; short protein forms S121L, S135L, S136L, S146L, S160L, S202L, S54L, S68L.
Identifiers: ClinVar variation 3759152 (VCV003759152.2).